The following is an entry in ClinVar:

ClinVar aggregate classification (germline): Uncertain significance. Review status: criteria provided, multiple submitters, no conflicts (2 of 4 stars). 2 submissions from 2 submitters: Uncertain significance (2). Last evaluated 2023-12-04.

Conditions:
Ataxia-telangiectasia syndrome (AT). Also called: Ataxia-telangiectasia, complementation group D; AT, COMPLEMENTATION GROUP C; ATAXIA-TELANGIECTASIA, COMPLEMENTATION GROUP A; ATAXIA-TELANGIECTASIA, FRESNO VARIANT; Ataxia-telangiectasia; LOUIS-BAR SYNDROME. Identifiers: Orphanet 100, MedGen C0004135, MONDO:0008840, OMIM 208900.
Hereditary cancer-predisposing syndrome. Also called: Tumor predisposition; Hereditary neoplastic syndrome; Neoplastic Syndromes, Hereditary; Hereditary Cancer Syndrome. Identifiers: Orphanet 140162, MedGen C0027672, MeSH D009386, MONDO:0015356.

Allele frequency attached by ClinVar (database versions not stated): gnomAD exomes below 0.00001.
gnomAD v4.1: 1 of 1,614,132 alleles (0.000062%); highest among the groups gnomAD compares: African/African-American, 0.0013%; no homozygotes.

Submissions (2):

Color Diagnostics, LLC DBA Color Health
Classification: Uncertain significance for Hereditary cancer-predisposing syndrome. Last evaluated: 2023-12-04. Review status: criteria provided, single submitter. Criteria: ACMG Guidelines, 2015. Collection method: clinical testing. Allele origin: germline.
Comment: This missense variant replaces proline with leucine at codon 2056 of the ATM protein. Computational prediction suggests that this variant may not impact protein structure and function (internally defined REVEL score threshold <= 0.5, PMID: 27666373). To our knowledge, functional studies have not been reported for this variant. This variant has not been reported in individuals affected with ATM-related disorders in the literature. This variant has not been identified in the general population by the Genome Aggregation Database (gnomAD). The available evidence is insufficient to determine the role of this variant in disease conclusively. Therefore, this variant is classified as a Variant of Uncertain Significance.

Labcorp Genetics (formerly Invitae), Labcorp
Classification: Uncertain significance for Ataxia-telangiectasia syndrome. Last evaluated: 2021-08-31. Review status: criteria provided, single submitter. Criteria: Invitae Variant Classification Sherloc (09022015). Collection method: clinical testing. Allele origin: germline.
Comment: This sequence change replaces proline with leucine at codon 2056 of the ATM protein (p.Pro2056Leu). The proline residue is weakly conserved and there is a moderate physicochemical difference between proline and leucine. This variant is not present in population databases (ExAC no frequency). This variant has not been reported in the literature in individuals affected with ATM-related conditions. ClinVar contains an entry for this variant (Variation ID: 630763). Advanced modeling of protein sequence and biophysical properties (such as structural, functional, and spatial information, amino acid conservation, physicochemical variation, residue mobility, and thermodynamic stability) performed at Invitae indicates that this missense variant is not expected to disrupt ATM protein function. In summary, the available evidence is currently insufficient to determine the role of this variant in disease. Therefore, it has been classified as a Variant of Uncertain Significance.

NM_000051.4(ATM):c.6167C>T (p.Pro2056Leu)

Genes: C11orf65 (chromosome 11 open reading frame 65; minus strand), ATM (ATM serine/threonine kinase; plus strand). Cytogenetic location: 11q22.3.
Variant type: single nucleotide variant.
Coding change: c.6167C>T on transcript NM_000051.4 (MANE Select); coding-DNA position 6167, C replaced by T.
Protein change: p.Pro2056Leu; replaces proline 2056 with leucine.
Molecular consequence: missense variant. On other transcripts: intron variant (2).
Genome position (GRCh38, 1-based): chr11:108,316,082, C>T. VCF-style: chr11-108316082-C-T. GRCh37 (hg19) VCF-style: chr11-108186809-C-T.
Other names: c.6167C>T, p.Pro2056Leu (NM_001351834.2); c.641-7011G>A (NM_001330368.2); c.*39-7011G>A (NM_001351110.2); short protein forms P2056L.
Identifiers: ClinVar variation 630763 (VCV000630763.11), dbSNP rs1565499875, ClinGen allele CA382550667.